The following is an entry in ClinVar:

NM_000179.3(MSH6):c.3924C>T (p.Leu1308=)

Gene: MSH6 (mutS homolog 6; plus strand). Cytogenetic location: 2p16.3.
Variant type: single nucleotide variant.
Coding change: c.3924C>T on transcript NM_000179.3 (MANE Select); coding-DNA position 3924, C replaced by T.
Protein change: p.Leu1308=; no amino-acid change (leucine 1308 retained).
Molecular consequence: synonymous variant.
Genome position (GRCh38, 1-based): chr2:47,806,574, C>T. VCF-style: chr2-47806574-C-T. GRCh37 (hg19) VCF-style: chr2-48033713-C-T.
Other names: c.3534C>T, p.Leu1178= (NM_001281492.2); c.3018C>T, p.Leu1006= (NM_001281493.2, NM_001281494.2).
Identifiers: ClinVar variation 824388 (VCV000824388.16), dbSNP rs769973928, ClinGen allele CA072302.

ClinVar aggregate classification (germline): Benign/Likely benign. Review status: criteria provided, multiple submitters, no conflicts (2 of 4 stars). 4 submissions from 4 submitters: Benign (1); Likely benign (3). Last evaluated 2025-12-17.

Conditions:
Hereditary nonpolyposis colorectal neoplasms. Identifiers: MedGen C0009405, MeSH D003123.
Lynch syndrome 5 (LYNCH5). Also called: Colorectal cancer, hereditary nonpolyposis, type 5; Hereditary non-polyposis colorectal cancer, type 5. Identifiers: Orphanet 144, MedGen C1833477, MONDO:0013710, OMIM 614350. Disease mechanism: loss of function.
Hereditary cancer-predisposing syndrome. Also called: Neoplastic Syndromes, Hereditary; Tumor predisposition; Hereditary neoplastic syndrome; Hereditary Cancer Syndrome. Identifiers: Orphanet 140162, MedGen C0027672, MeSH D009386, MONDO:0015356.

Allele frequency attached by ClinVar (database versions not stated): ExAC 0.00001; gnomAD exomes 0.00001.
gnomAD v4.1: 5 of 1,613,492 alleles (0.00031%); highest among the groups gnomAD compares: Admixed American, 0.005%; no homozygotes.

Submissions (4):

Labcorp Genetics (formerly Invitae), Labcorp
Classification: Likely benign for Hereditary nonpolyposis colorectal neoplasms. Last evaluated: 2025-12-17. Review status: criteria provided, single submitter. Criteria: Invitae Variant Classification Sherloc (09022015). Collection method: clinical testing. Allele origin: germline.

Myriad Genetics, Inc.
Classification: Benign for Lynch syndrome 5. Last evaluated: 2025-01-08. Review status: criteria provided, single submitter. Criteria: Myriad Autosomal Dominant, Autosomal Recessive and X-Linked Classification Criteria (2023). Collection method: clinical testing. Allele origin: unknown.
Comment: This variant is considered benign. This variant is a silent/synonymous amino acid change and it is not expected to impact splicing.

Color Diagnostics, LLC DBA Color Health
Classification: Likely benign for Hereditary cancer-predisposing syndrome. Last evaluated: 2019-05-06. Review status: criteria provided, single submitter. Criteria: ACMG Guidelines, 2015. Collection method: clinical testing. Allele origin: germline.

Ambry Genetics
Classification: Likely benign for Hereditary cancer-predisposing syndrome. Last evaluated: 2019-01-11. Review status: criteria provided, single submitter. Criteria: Ambry Variant Classification Scheme 2023. Collection method: clinical testing. Allele origin: germline.